The following is an entry in ClinVar:

ClinVar aggregate classification (germline): Uncertain significance (1 of 4 stars; one submission).

Conditions:
Congenital muscular dystrophy due to integrin alpha-7 deficiency. Also called: MYOPATHY, CONGENITAL, DUE TO INTEGRIN ALPHA-7 DEFICIENCY; Congenital muscular dystrophy with integrin alpha-7 deficiency; Muscular dystrophy, congenital, due to ITGA7 deficiency. Identifiers: Orphanet 34520, MedGen C2750786, MONDO:0013177, OMIM 613204.

Submission:

Labcorp Genetics (formerly Invitae), Labcorp
Classification: Uncertain significance for Congenital muscular dystrophy due to integrin alpha-7 deficiency. Last evaluated: 2025-11-18. Review status: criteria provided, single submitter. Criteria: Invitae Variant Classification Sherloc (09022015). Collection method: clinical testing. Allele origin: germline.
Comment: This sequence change falls in intron 16 of the ITGA7 gene. It does not directly change the encoded amino acid sequence of the ITGA7 protein. It affects a nucleotide within the consensus splice site. This variant is not present in population databases (gnomAD no frequency). This variant has not been reported in the literature in individuals affected with ITGA7-related conditions. Variants that disrupt the consensus splice site are a relatively common cause of aberrant splicing (PMID: 17576681, 9536098). Algorithms developed to predict the effect of sequence changes on RNA splicing suggest that this variant is not likely to affect RNA splicing. In summary, the available evidence is currently insufficient to determine the role of this variant in disease. Therefore, it has been classified as a Variant of Uncertain Significance.

Literature cited by the submitters: PubMed 17576681; PubMed 9536098.

NM_002206.3(ITGA7):c.2277+4G>T

Genes: ITGA7 (integrin subunit alpha 7; minus strand), LOC126861535 (CDK7 strongly-dependent group 2 enhancer GRCh37_chr12:56087579-56088778; plus strand). Cytogenetic location: 12q13.2.
Variant type: single nucleotide variant.
Coding change: c.2277+4G>T on transcript NM_002206.3 (MANE Select); 4 bases into the intron after coding-DNA position 2277, G replaced by T.
Molecular consequence: intron variant.
Genome position (GRCh38, 1-based): chr12:55,694,611, C>A on the plus strand (G>T on the coding strand, the complement: ITGA7 is on the minus strand). VCF-style: chr12-55694611-C-A. GRCh37 (hg19) VCF-style: chr12-56088395-C-A.
Other names: c.1998+4G>T (NM_001144997.2); c.1950+4G>T (NM_001367993.1); c.1938+4G>T (NM_001414035.1); c.2094+4G>T (NM_001414033.1); c.933+4G>T (NM_001367994.1); c.2157+4G>T (NM_001414032.1); c.2190+4G>T (NM_001414031.1); c.2259+4G>T (NM_001374465.1); and 5 more.
Identifiers: ClinVar variation 4731032 (VCV004731032.1).